The following is an entry in ClinVar:

ClinVar aggregate classification (germline): Uncertain significance (1 of 4 stars; one submission).

Submission:

Labcorp Genetics (formerly Invitae), Labcorp
Classification: Uncertain significance. Last evaluated: 2025-05-11. Review status: criteria provided, single submitter. Criteria: Invitae Variant Classification Sherloc (09022015). Collection method: clinical testing. Allele origin: germline.
Comment: This sequence change replaces alanine, which is neutral and non-polar, with serine, which is neutral and polar, at codon 376 of the NSD1 protein (p.Ala376Ser). This variant is not present in population databases (gnomAD no frequency). This variant has not been reported in the literature in individuals affected with NSD1-related conditions. Invitae Evidence Modeling of protein sequence and biophysical properties (such as structural, functional, and spatial information, amino acid conservation, physicochemical variation, residue mobility, and thermodynamic stability) indicates that this missense variant is expected to disrupt NSD1 protein function with a positive predictive value of 95%. In summary, the available evidence is currently insufficient to determine the role of this variant in disease. Therefore, it has been classified as a Variant of Uncertain Significance.

NM_022455.5(NSD1):c.1126G>T (p.Ala376Ser)

Gene: NSD1 (nuclear receptor binding SET domain protein 1; plus strand). Cytogenetic location: 5q35.3.
Variant type: single nucleotide variant.
Coding change: c.1126G>T on transcript NM_022455.5 (MANE Select); coding-DNA position 1126, G replaced by T.
Protein change: p.Ala376Ser; replaces alanine 376 with serine.
Molecular consequence: missense variant.
Genome position (GRCh38, 1-based): chr5:177,204,182, G>T. VCF-style: chr5-177204182-G-T. GRCh37 (hg19) VCF-style: chr5-176631183-G-T.
Other names: c.253G>T, p.Ala85Ser (NM_001365684.2, NM_001409306.1, NM_001409307.1 and 3 more transcripts); c.1126G>T, p.Ala376Ser (NM_001409301.1, NM_001409302.1, NM_001409303.1); c.706G>T, p.Ala236Ser (NM_001409304.1); c.373G>T, p.Ala125Ser (NM_001409305.1); short protein forms A236S, A125S, A376S, A85S.
Identifiers: ClinVar variation 4746240 (VCV004746240.1).
Genomic context (GRCh38, chr5:177,204,182, plus strand): 5'-TCCAACCGGAGGCCCTATCGGCAGTACTACGTGGAGGCTTTTGGAGATCCTTCTGAGAGA[G>T]CCTGGGTGGCTGGAAAAGCAATCGTCATGTTTGAAGGCAGACATCAATTCGAAGAGCTAC-3'
Protein context (NP_071900.2, residues 366-386): VEAFGDPSER[Ala376Ser]WVAGKAIVMF